The following is an entry in ClinVar:

NM_004006.3(DMD):c.2699A>T (p.Lys900Ile)

Gene: DMD (dystrophin; minus strand). Cytogenetic location: Xp21.1.
Variant type: single nucleotide variant.
Coding change: c.2699A>T on transcript NM_004006.3 (MANE Select); coding-DNA position 2699, A replaced by T.
Protein change: p.Lys900Ile; replaces lysine 900 with isoleucine.
Molecular consequence: missense variant.
Genome position (GRCh38, 1-based): chrX:32,485,023, T>A on the plus strand (A>T on the coding strand, the complement: DMD is on the minus strand). VCF-style: chrX-32485023-T-A. GRCh37 (hg19) VCF-style: chrX-32503140-T-A.
Other names: c.2675A>T, p.Lys892Ile (NM_000109.4); c.2687A>T, p.Lys896Ile (NM_004009.3); c.2330A>T, p.Lys777Ile (NM_004010.3); short protein forms K900I, K777I, K896I, K892I.
Identifiers: ClinVar variation 497174 (VCV000497174.13), dbSNP rs1557380569, ClinGen allele CA412670863.
Genomic context (GRCh38, chrX:32,485,023, plus strand): 5'-TGCTTAAAATGATTTGTAAAGGCCACAAAGTCTGCATCCAGGAACATGGGTCCTTGTCCT[T>A]TCTCTTTCAGGGCTATGCTTTGAATTTTTAATCGTTCAATTTGAGGTTGAAGATCTGATA-3'
Protein context (NP_003997.2, residues 890-910): LKIQSIALKE[Lys900Ile]GQGPMFLDAD

ClinVar aggregate classification (germline): Uncertain significance. Review status: criteria provided, multiple submitters, no conflicts (2 of 4 stars). 2 submissions from 2 submitters: Uncertain significance (2). Last evaluated 2022-12-02.

Conditions:
Duchenne muscular dystrophy (DMD). Also called: MUSCULAR DYSTROPHY, PSEUDOHYPERTROPHIC PROGRESSIVE, DUCHENNE TYPE; Duchenne Muscular Dystrophy (DMD). Identifiers: Orphanet 98896, MedGen C0013264, MONDO:0010679, OMIM 310200.

Submissions (2):

Labcorp Genetics (formerly Invitae), Labcorp
Classification: Uncertain significance for Duchenne muscular dystrophy. Last evaluated: 2022-12-02. Review status: criteria provided, single submitter. Criteria: Invitae Variant Classification Sherloc (09022015). Collection method: clinical testing. Allele origin: germline.
Comment: In summary, the available evidence is currently insufficient to determine the role of this variant in disease. Therefore, it has been classified as a Variant of Uncertain Significance. Advanced modeling of protein sequence and biophysical properties (such as structural, functional, and spatial information, amino acid conservation, physicochemical variation, residue mobility, and thermodynamic stability) performed at Invitae indicates that this missense variant is not expected to disrupt DMD protein function. ClinVar contains an entry for this variant (Variation ID: 497174). This variant has not been reported in the literature in individuals affected with DMD-related conditions. This variant is not present in population databases (gnomAD no frequency). This sequence change replaces lysine, which is basic and polar, with isoleucine, which is neutral and non-polar, at codon 900 of the DMD protein (p.Lys900Ile).

Eurofins Ntd Llc (ga)
Classification: Uncertain significance. Last evaluated: 2016-09-26. Review status: criteria provided, single submitter. Criteria: EGL Classification Definitions 2015. Collection method: clinical testing. Allele origin: germline. Observed: 1 variant allele, 1 hemizygote.